The following is an entry in ClinVar:

NM_000079.4(CHRNA1):c.222del (p.Arg75fs)

Gene: CHRNA1 (cholinergic receptor nicotinic alpha 1 subunit; minus strand). Cytogenetic location: 2q31.1.
Variant type: Deletion.
Coding change: c.222del on transcript NM_000079.4 (MANE Select); coding-DNA position 222, one base deleted (G; older notation c.222delG).
Protein change: p.Arg75fs; shifts the reading frame from arginine 75.
Molecular consequence: frameshift variant.
Genome position (GRCh38, 1-based): chr2:174,759,343, C deleted on the plus strand (G on the coding strand, the reverse complement: CHRNA1 is on the minus strand). VCF-style (leftmost placement, unchanged base first): chr2-174759342-GC-G. GRCh37 (hg19) VCF-style: chr2-175624070-GC-G.
Other names: c.222del, p.Arg75fs (NM_001039523.3); short protein forms R75fs.
Identifiers: ClinVar variation 2415180 (VCV002415180.6), dbSNP rs199470442, ClinGen allele CA60857038.
Genomic context (GRCh38, chr2:174,759,342, plus strand): 5'-TTTCAGTGTGAATGAAAACGACACACATGCAATTATCTGGCTAAGTTACCTGTTTCAGAC[GC>G]ACATTGGTTGTCACGATCTGATTTACTTCATCCTGGAAAAAAAAATAAGGATCATTTTTA-3'

ClinVar aggregate classification (germline): Pathogenic (1 of 4 stars; one submission).

Conditions:
Lethal multiple pterygium syndrome (LMPS). Identifiers: Orphanet 33108, MedGen C1854678, MONDO:0009668, OMIM 253290.

Allele frequency attached by ClinVar (database versions not stated): gnomAD exomes 0.00001; TOPMed 0.00002.

Submission:

Labcorp Genetics (formerly Invitae), Labcorp
Classification: Pathogenic for Lethal multiple pterygium syndrome. Last evaluated: 2022-09-10. Review status: criteria provided, single submitter. Criteria: Invitae Variant Classification Sherloc (09022015). Collection method: clinical testing. Allele origin: germline.
Comment: For these reasons, this variant has been classified as Pathogenic. This variant has not been reported in the literature in individuals affected with CHRNA1-related conditions. This variant is present in population databases (rs199470442, gnomAD 0.0009%). This sequence change creates a premature translational stop signal (p.Arg75Valfs*2) in the CHRNA1 gene. It is expected to result in an absent or disrupted protein product. Loss-of-function variants in CHRNA1 are known to be pathogenic (PMID: 14719537, 15907919, 18252226).

Literature cited by the submitters: PubMed 14719537; PubMed 15907919; PubMed 18252226.